The following is an entry in ClinVar:

NM_017758.4(ALKBH5):c.570C>T (p.Ala190=)

Gene: ALKBH5 (alkB homolog 5, RNA demethylase; plus strand). Cytogenetic location: 17p11.2.
Variant type: single nucleotide variant.
Coding change: c.570C>T on transcript NM_017758.4 (MANE Select); coding-DNA position 570, C replaced by T.
Protein change: p.Ala190=; no amino-acid change (alanine 190 retained).
Molecular consequence: synonymous variant.
Genome position (GRCh38, 1-based): chr17:18,184,813, C>T. VCF-style: chr17-18184813-C-T. GRCh37 (hg19) VCF-style: chr17-18088127-C-T.
Identifiers: ClinVar variation 2647546 (VCV002647546.24), dbSNP rs534578100, ClinGen allele CA8426117.
Genomic context (GRCh38, chr17:18,184,813, plus strand): 5'-GCTGGTGATCCAAAAGCTGGTGGAGCACCGCGTCATCCCCGAGGGCTTCGTCAACAGCGC[C>T]GTCATCAACGACTACCAGCCCGGCGGCTGCATCGTGTCTCACGTGGACCCCATCCACATC-3'
Protein context (NP_060228.3, residues 180-200): RVIPEGFVNS[Ala190=]VINDYQPGGC

ClinVar aggregate classification (germline): Likely benign (1 of 4 stars; one submission).

Allele frequency attached by ClinVar (database versions not stated): gnomAD 0.00014; 1000 Genomes Project 30x 0.00016; 1000 Genomes Project 0.00020; ExAC 0.00028.
gnomAD v4.1: 294 of 1,614,114 alleles (0.018%); highest among the groups gnomAD compares: Middle Eastern, 0.12%; no homozygotes.

Submission:

CeGaT Center for Human Genetics Tuebingen
Classification: Likely benign. Last evaluated: 2022-12-01. Review status: criteria provided, single submitter. Criteria: CeGaT Center For Human Genetics Tuebingen Variant Classification Criteria Version 2. Collection method: clinical testing. Allele origin: germline. Affected: yes. Observed: 1 variant allele.
Comment: ALKBH5: BP4, BP7